The following is an entry in ClinVar:

NM_001364905.1(LRBA):c.5930_5931del (p.Leu1977fs)

Gene: LRBA (LPS responsive beige-like anchor protein; minus strand). Cytogenetic location: 4q31.3.
Variant type: Deletion.
Coding change: c.5930_5931del on transcript NM_001364905.1 (MANE Select); coding-DNA positions 5930 to 5931, 2 bases deleted (TT; older notation c.5930_5931delTT).
Protein change: p.Leu1977fs; shifts the reading frame from leucine 1977.
Molecular consequence: frameshift variant.
Genome position (GRCh38, 1-based): chr4:150,599,122-150,599,123, AA deleted on the plus strand (TT on the coding strand, the reverse complement: LRBA is on the minus strand). VCF-style (leftmost placement, unchanged base first): chr4-150599121-CAA-C. GRCh37 (hg19) VCF-style: chr4-151520273-CAA-C.
Other names: c.5930_5931del, p.Leu1977fs (NM_001199282.3, NM_001367550.1, NM_001440430.1 and 2 more transcripts); short protein forms L1977fs.
Identifiers: ClinVar variation 4731492 (VCV004731492.1).

ClinVar aggregate classification (germline): Pathogenic (1 of 4 stars; one submission).

Conditions:
Combined immunodeficiency due to LRBA deficiency. Also called: Common variable immunodeficiency 8, with autoimmunity. Identifiers: Orphanet 445018, MedGen C3553512, MONDO:0013863, OMIM 614700.

Submission:

Labcorp Genetics (formerly Invitae), Labcorp
Classification: Pathogenic for Combined immunodeficiency due to LRBA deficiency. Last evaluated: 2025-11-25. Review status: criteria provided, single submitter. Criteria: Invitae Variant Classification Sherloc (09022015). Collection method: clinical testing. Allele origin: germline.
Comment: This sequence change creates a premature translational stop signal (p.Leu1977Argfs*6) in the LRBA gene. It is expected to result in an absent or disrupted protein product. Loss-of-function variants in LRBA are known to be pathogenic (PMID: 26206937, 26768763). This variant is not present in population databases (gnomAD no frequency). This variant has not been reported in the literature in individuals affected with LRBA-related conditions. For these reasons, this variant has been classified as Pathogenic.

Literature cited by the submitters: PubMed 26206937; PubMed 26768763.